The following is an entry in ClinVar:

NM_012210.4(TRIM32):c.341del (p.Ser114fs)

Genes: ASTN2 (astrotactin 2; minus strand), TRIM32 (tripartite motif containing 32; plus strand). Cytogenetic location: 9q33.1.
Variant type: Deletion.
Coding change: c.341del on transcript NM_012210.4 (MANE Select); coding-DNA position 341, one base deleted (G; older notation c.341delG).
Protein change: p.Ser114fs; shifts the reading frame from serine 114.
Molecular consequence: frameshift variant. On other transcripts: intron variant (3).
Genome position (GRCh38, 1-based): chr9:116,698,083, G deleted. VCF-style (leftmost placement, unchanged base first): chr9-116698082-AG-A. GRCh37 (hg19) VCF-style: chr9-119460361-AG-A.
Other names: c.341del, p.Ser114fs (NM_001099679.2, NM_001379048.1, NM_001379049.1 and 1 more transcripts); c.2653+27688del (NM_014010.5); c.2794+27688del (NM_001365069.1); c.2806+27688del (NM_001365068.1); short protein forms S114fs.
Identifiers: ClinVar variation 2750667 (VCV002750667.4), dbSNP rs2491058742, ClinGen allele CA2697557983.
Genomic context (GRCh38, chr9:116,698,082, plus strand): 5'-GCTGTGGGGCTGCTCATGTGTCGGTCCTGTGGGCGGCGTCTGCCCCGGCAATTCTGCCGG[AG>A]CTGTGGTTTGGTGTTATGTGAGCCCTGCCGGGAGGCAGACCATCAGCCTCCTGGCCACTG-3'

ClinVar aggregate classification (germline): Pathogenic/Likely pathogenic. Review status: criteria provided, multiple submitters, no conflicts (2 of 4 stars). 2 submissions from 2 submitters: Pathogenic (1); Likely pathogenic (1). Last evaluated 2023-09-18.

Conditions:
Bardet-Biedl syndrome (BBS). Identifiers: Orphanet 110, MedGen C0752166, MONDO:0015229.
TRIM32-related disorder. Also called: TRIM32-related condition.

Submissions (2):

Labcorp Genetics (formerly Invitae), Labcorp
Classification: Pathogenic for Bardet-Biedl syndrome. Last evaluated: 2023-09-18. Review status: criteria provided, single submitter. Criteria: Invitae Variant Classification Sherloc (09022015). Collection method: clinical testing. Allele origin: germline.
Comment: This variant is not present in population databases (gnomAD no frequency). This sequence change creates a premature translational stop signal (p.Ser114Thrfs*40) in the TRIM32 gene. While this is not anticipated to result in nonsense mediated decay, it is expected to disrupt the last 540 amino acid(s) of the TRIM32 protein. For these reasons, this variant has been classified as Pathogenic. This variant disrupts a region of the TRIM32 protein in which other variant(s) (p.Met370Cysfs*10) have been determined to be pathogenic (Invitae). This suggests that this is a clinically significant region of the protein, and that variants that disrupt it are likely to be disease-causing. This variant has not been reported in the literature in individuals affected with TRIM32-related conditions.

Blueprint Genetics
Classification: Likely pathogenic for TRIM32-related disorders. Last evaluated: 2022-05-19. Review status: criteria provided, single submitter. Criteria: ACMG Guidelines, 2015. Collection method: clinical testing. Allele origin: germline. Affected: yes. Observed: 1 variant allele.